The following is an entry in ClinVar:

NM_003072.5(SMARCA4):c.4274C>A (p.Thr1425Asn)

Gene: SMARCA4 (SWI/SNF related BAF chromatin remodeling complex subunit ATPase 4; plus strand). Cytogenetic location: 19p13.2.
Variant type: single nucleotide variant.
Coding change: c.4274C>A on transcript NM_003072.5 (MANE Select); coding-DNA position 4274, C replaced by A.
Protein change: p.Thr1425Asn; replaces threonine 1425 with asparagine.
Molecular consequence: missense variant. On other transcripts: non-coding transcript variant (1).
Genome position (GRCh38, 1-based): chr19:11,041,410, C>A. VCF-style: chr19-11041410-C-A. GRCh37 (hg19) VCF-style: chr19-11152086-C-A.
Other names: c.4274C>A, p.Thr1425Asn (NM_001128844.3); c.4184C>A, p.Thr1395Asn (NM_001128845.2, NM_001128846.2); c.4175C>A, p.Thr1392Asn (NM_001128847.4, NM_001128848.2, NM_001374457.1); c.4370C>A, p.Thr1457Asn (NM_001128849.3, NM_001387283.1); c.4271C>A, p.Thr1424Asn (NM_001411150.1); short protein forms T1392N, T1395N, T1457N, T1424N, T1425N.
Identifiers: ClinVar variation 1740090 (VCV001740090.3), dbSNP rs1340211412, ClinGen allele CA404073480.
Genomic context (GRCh38, chr19:11,041,410, plus strand): 5'-GGCAGAAGAAATCATCACGGAAGCGCAAGCGAGACAGCGACGCCGGCTCCTCCACCCCGA[C>A]CACCAGCACCCGCAGCCGCGACAAGGACGACGAGAGCAAGAAGCAGAAGAAGCGCGGGCG-3'
Protein context (NP_003063.2, residues 1415-1435): RDSDAGSSTP[Thr1425Asn]TSTRSRDKDD

ClinVar aggregate classification (germline): Uncertain significance (1 of 4 stars; one submission).

Conditions:
Hereditary cancer-predisposing syndrome. Also called: Hereditary Cancer Syndrome; Hereditary neoplastic syndrome; Neoplastic Syndromes, Hereditary; Tumor predisposition. Identifiers: Orphanet 140162, MedGen C0027672, MeSH D009386, MONDO:0015356.

Submission:

Ambry Genetics
Classification: Uncertain significance for Hereditary cancer-predisposing syndrome. Last evaluated: 2024-07-03. Review status: criteria provided, single submitter. Criteria: Ambry Variant Classification Scheme 2023. Collection method: clinical testing. Allele origin: germline.
Comment: The p.T1457N variant (also known as c.4370C>A), located in coding exon 30 of the SMARCA4 gene, results from a C to A substitution at nucleotide position 4370. The threonine at codon 1457 is replaced by asparagine, an amino acid with similar properties. This amino acid position is well conserved in available vertebrate species. In addition, this alteration is predicted to be tolerated by in silico analysis. Based on the available evidence, the clinical significance of this variant remains unclear.